The following is an entry in ClinVar:

NM_000088.4(COL1A1):c.3108del (p.Gly1037fs)

Gene: COL1A1 (collagen type I alpha 1 chain; minus strand). Cytogenetic location: 17q21.33.
Variant type: Deletion.
Coding change: c.3108del on transcript NM_000088.4 (MANE Select); coding-DNA position 3108, one base deleted (T; older notation c.3108delT).
Protein change: p.Gly1037fs; shifts the reading frame from glycine 1037.
Molecular consequence: frameshift variant.
Genome position (GRCh38, 1-based): chr17:50,188,629, A deleted on the plus strand (T on the coding strand, the reverse complement: COL1A1 is on the minus strand). VCF-style (leftmost placement, unchanged base first): chr17-50188628-CA-C. GRCh37 (hg19) VCF-style: chr17-48265989-CA-C.
Other names: short protein forms G1037fs.
Identifiers: ClinVar variation 4725651 (VCV004725651.1).

ClinVar aggregate classification (germline): Pathogenic (1 of 4 stars; one submission).

Conditions:
Osteogenesis imperfecta type I (OI1). Also called: Lobstein disease; Classic Non-deforming Osteogenesis Imperfecta with Blue Sclerae; OI, TYPE I; OSTEOGENESIS IMPERFECTA TARDA; OSTEOGENESIS IMPERFECTA WITH BLUE SCLERAE; Osteogenesis imperfecta type 1. Identifiers: Orphanet 216796, Orphanet 666, MedGen C0023931, MONDO:0008146, OMIM 166200. Disease mechanism: loss of function.

Submission:

Labcorp Genetics (formerly Invitae), Labcorp
Classification: Pathogenic for Osteogenesis imperfecta type I. Last evaluated: 2026-01-05. Review status: criteria provided, single submitter. Criteria: Invitae Variant Classification Sherloc (09022015). Collection method: clinical testing. Allele origin: germline.
Comment: This sequence change creates a premature translational stop signal (p.Gly1037Valfs*71) in the COL1A1 gene. It is expected to result in an absent or disrupted protein product. Loss-of-function variants in COL1A1 are known to be pathogenic (PMID: 7942841, 9295084, 9443882). This variant is not present in population databases (gnomAD no frequency). This variant has not been reported in the literature in individuals affected with COL1A1-related conditions. For these reasons, this variant has been classified as Pathogenic.

Literature cited by the submitters: PubMed 7942841; PubMed 9295084; PubMed 9443882.